The following is an entry in ClinVar:

ClinVar aggregate classification (germline): Uncertain significance (1 of 4 stars; one submission).

Submission:

Labcorp Genetics (formerly Invitae), Labcorp
Classification: Uncertain significance. Last evaluated: 2025-10-08. Review status: criteria provided, single submitter. Criteria: Invitae Variant Classification Sherloc (09022015). Collection method: clinical testing. Allele origin: germline.
Comment: This sequence change replaces aspartic acid, which is acidic and polar, with glycine, which is neutral and non-polar, at codon 172 of the SPECC1L protein (p.Asp172Gly). This variant is not present in population databases (gnomAD no frequency). This variant has not been reported in the literature in individuals affected with SPECC1L-related conditions. This missense change has been observed in at least one individual who was not affected with SPECC1L-related conditions (internal data). Invitae Evidence Modeling of protein sequence and biophysical properties (such as structural, functional, and spatial information, amino acid conservation, physicochemical variation, residue mobility, and thermodynamic stability) has been performed for this missense variant. However, the output from this modeling did not meet the statistical confidence thresholds required to predict the impact of this variant on SPECC1L protein function. In summary, the available evidence is currently insufficient to determine the role of this variant in disease. Therefore, it has been classified as a Variant of Uncertain Significance.

NM_015330.6(SPECC1L):c.515A>G (p.Asp172Gly)

Genes: SPECC1L (sperm antigen with calponin homology and coiled-coil domains 1 like; plus strand), SPECC1L-ADORA2A (SPECC1L-ADORA2A readthrough (NMD candidate); plus strand). Cytogenetic location: 22q11.23.
Variant type: single nucleotide variant.
Coding change: c.515A>G on transcript NM_015330.6 (MANE Select); coding-DNA position 515, A replaced by G.
Protein change: p.Asp172Gly; replaces aspartic acid 172 with glycine.
Molecular consequence: missense variant. On other transcripts: non-coding transcript variant (1).
Genome position (GRCh38, 1-based): chr22:24,321,495, A>G. VCF-style: chr22-24321495-A-G. GRCh37 (hg19) VCF-style: chr22-24717463-A-G.
Other names: c.515A>G, p.Asp172Gly (NM_001145468.4, NM_001254732.3); short protein forms D172G.
Identifiers: ClinVar variation 4745564 (VCV004745564.1).